The following is an entry in ClinVar:

ClinVar aggregate classification (germline): Uncertain significance (1 of 4 stars; one submission).

Conditions:
Familial thoracic aortic aneurysm and aortic dissection (TAAD). Also called: Thoracic aortic aneurysms and dissections. Identifiers: Orphanet 91387, MedGen C4707243, MONDO:0019625.

Submission:

Ambry Genetics
Classification: Uncertain significance for Familial thoracic aortic aneurysm and aortic dissection. Last evaluated: 2026-01-24. Review status: criteria provided, single submitter. Criteria: Ambry Variant Classification Scheme 2023. Collection method: clinical testing. Allele origin: germline.
Comment: The p.E1722G variant (also known as c.5165A>G), located in coding exon 40 of the FBN2 gene, results from an A to G substitution at nucleotide position 5165. The glutamic acid at codon 1722 is replaced by glycine, an amino acid with similar properties. This amino acid position is conserved. In addition, this alteration is predicted to be deleterious by in silico analysis. Based on the available evidence, the clinical significance of this variant remains unclear.

NM_001999.4(FBN2):c.5165A>G (p.Glu1722Gly)

Gene: FBN2 (fibrillin 2; minus strand). Cytogenetic location: 5q23.3.
Variant type: single nucleotide variant.
Coding change: c.5165A>G on transcript NM_001999.4 (MANE Select); coding-DNA position 5165, A replaced by G.
Protein change: p.Glu1722Gly; replaces glutamic acid 1722 with glycine.
Molecular consequence: missense variant.
Genome position (GRCh38, 1-based): chr5:128,310,018, T>C on the plus strand (A>G on the coding strand, the complement: FBN2 is on the minus strand). VCF-style: chr5-128310018-T-C. GRCh37 (hg19) VCF-style: chr5-127645710-T-C.
Other names: short protein forms E1722G.
Identifiers: ClinVar variation 4844431 (VCV004844431.1).